The following is an entry in ClinVar:

NM_000500.7(CYP21A2):c.955C>T (p.Gln319Ter)

Genes: CYP21A2 (cytochrome P450 family 21 subfamily A member 2; plus strand), TNXB (tenascin XB; minus strand), LOC106780800 (CYP21A2 recombination region; plus strand). Cytogenetic location: 6p21.33.
Variant type: single nucleotide variant.
Coding change: c.955C>T on transcript NM_000500.7; coding-DNA position 955, C replaced by T.
Protein change: p.Gln319Ter; replaces glutamine 319 with a stop codon.
Molecular consequence: nonsense (on NM_000500.9).
Genome position (GRCh38, 1-based): chr6:32,040,421, C>T. VCF-style: chr6-32040421-C-T. GRCh37 (hg19) VCF-style: chr6-32008198-C-T.
Other names: Q318*; p.Gln319Ter (legacy p.Gln318Ter); dbSNP:rs7755898; c.955C>T, p.Gln319Ter (NM_000500.9); c.865C>T, p.Gln289Ter (NM_001128590.4); c.550C>T, p.Gln184Ter (NM_001368143.2, NM_001368144.2); short protein forms Q319*, Q289*, Q184*.
Identifiers: ClinVar variation 12169 (VCV000012169.59), dbSNP rs7755898, ClinGen allele CA341189.

ClinVar aggregate classification (germline): Pathogenic. Review status: criteria provided, multiple submitters, no conflicts (2 of 4 stars). 33 submissions from 33 submitters: Pathogenic (25). 8 of the submissions do not count toward it. Last evaluated 2026-07-18.

Conditions:
Fetal anomalies with a likely genetic cause.
CYP21A2-related disorder. Also called: CYP21A2-related condition.
Congenital adrenal hyperplasia. Identifiers: Orphanet 418, MedGen C0001627, MONDO:0018479, HP:0008258.
21-Hydroxylase-Deficient Congenital Adrenal Hyperplasia. Also called: ADRENAL HYPERPLASIA, CONGENITAL, DUE TO 21-HYDROXYLASE DEFICIENCY; ADRENAL HYPERPLASIA III. Identifiers: MedGen C2936858, OMIM 201910.

Allele frequency attached by ClinVar (database versions not stated): gnomAD 0.00370 and 0.00339; 1000 Genomes Project 30x 0.03170; gnomAD exomes 0.00059.
gnomAD v4.1: 1,416 of 1,580,252 alleles (0.09%); highest among the groups gnomAD compares: Middle Eastern, 0.57%; no homozygotes.

Submissions 1 to 13 of 33:

Department of Medical Genetics, Ordu University Medical School Training and Research Hospital
Classification: Pathogenic for 21-Hydroxylase-Deficient Congenital Adrenal Hyperplasia. Last evaluated: 2026-07-18. Review status: criteria provided, single submitter. Criteria: ACMG Guidelines, 2015. Collection method: research. Allele origin: germline. Inheritance: Autosomal recessive inheritance. Affected: yes. Observed: 6 variant alleles, 6 heterozygotes.
Comment: This variant (NM_000500.9:c.955C>T, p.Gln319Ter) is a classic nonsense allele causing the salt-wasting form of 21-hydroxylase deficiency. ACMG/AMP criteria applied: PVS1 (nonsense variant predicted to cause loss of function via a premature stop codon / nonsense-mediated decay, an established disease mechanism for CYP21A2), PP4 (phenotype specific for CYP21A2 disease), and PP5 (reported Pathogenic in ClinVar). Combined evidence meets the ACMG 2015 criteria for a Pathogenic classification.

Genetics Laboratory, Great Ormond Street Hospital NHS Foundation Trust, North Thames Genomic Laboratory Hub
Classification: Pathogenic for Fetal anomalies with a likely genetic cause. Last evaluated: 2026-02-28. Review status: criteria provided, single submitter. Criteria: ACGS Best Practice Guidelines for Variant Classification in Rare Disease 2024 v1.2. Collection method: clinical testing. Allele origin: germline. Affected: yes.
Comment: PS4_moderate, PVS1_very-strong

Lildballe Lab, Aarhus University Hospital
Classification: Pathogenic for congenital adrenal hyperplasia, due to 21-hydroxylase deficiency. Last evaluated: 2025-10-09. Review status: criteria provided, single submitter. Criteria: ACMG Guidelines, 2015. Collection method: research. Allele origin: germline. Affected: yes.
Comment: PM3very strong PS3sup PVS1 PM2sup

3billion
Classification: Pathogenic for 21-Hydroxylase-Deficient Congenital Adrenal Hyperplasia. Last evaluated: 2025-05-30. Review status: criteria provided, single submitter. Criteria: ACMG Guidelines, 2015. Collection method: clinical testing. Allele origin: germline. Affected: yes.
Comment: The variant is observed at an extremely low frequency in the gnomAD v4.1.0 dataset (total allele frequency: 0.090%). Predicted Consequence/Location: Stop-gained (nonsense): predicted to result in a loss or disruption of normal protein function through nonsense-mediated decay (NMD) or protein truncation. Multiple pathogenic variants are reported downstream of the variant. The variant has been reported at least twice as pathogenic with clinical assertions and evidence for the classification (ClinVar ID: VCV000012169 /PMID: 3267225 /3billion dataset). Therefore, this variant is classified as Pathogenic according to the recommendation of ACMG/AMP guideline.

Athena Diagnostics
Classification: Pathogenic. Last evaluated: 2025-02-27. Review status: criteria provided, single submitter. Criteria: Athena Diagnostics Criteria. Collection method: clinical testing. Allele origin: unknown.
Comment: This variant is expected to result in the loss of a functional protein. This variant is located in a genomic region of low or unreliable sequencing quality, and therefore estimations of its population frequency are uninformative in assessment of variant pathogenicity. In multiple individuals with clinical features associated with this gene, this variant has been seen in trans with other recessive pathogenic variants in CYP21A2, suggesting this variant is also pathogenic. In some published literature, this variant is referred to as p.Q318X. Assessment of experimental evidence suggests this variant results in abnormal protein function. (PMID: 3267225)

Quest Diagnostics Nichols Institute San Juan Capistrano
Classification: Pathogenic. Last evaluated: 2025-02-27. Review status: criteria provided, single submitter. Criteria: Quest Diagnostics criteria. Collection method: clinical testing. Allele origin: unknown.
Comment: The CYP21A2 c.955C>T (p.Gln319*) variant (also known as Q319X or Q318X) causes the premature termination of CYP21A2 protein synthesis. This variant is associated with salt wasting CAH (PMID: 33715135 (2021), 28392195 (2017), 23359698 (2013), 23269230 (2013), 15101044 (2004), 3267225 (1988)). The frequency of this variant in the general population (Genome Aggregation Database) is consistent with pathogenicity. Based on the available information, this variant is classified as pathogenic.

Revvity Omics, Revvity
Classification: Pathogenic. Last evaluated: 2025-02-25. Review status: criteria provided, single submitter. Criteria: ACMG Guidelines, 2015. Collection method: clinical testing. Allele origin: germline.

Dubai Health Genomic Medicine Center, Dubai Health
Classification: Pathogenic for Adrenal hyperplasia, congenital, due to 21-hydroxylase deficiency. Last evaluated: 2024-10-04. Review status: criteria provided, single submitter. Criteria: ACMG Guidelines, 2015. Collection method: research. Allele origin: germline. Affected: yes.
Comment: PVS1,PS3,PM3

Newborn Screening Ontario, Children's Hospital of Eastern Ontario (CHEO)
Classification: Pathogenic for 21-Hydroxylase-Deficient Congenital Adrenal Hyperplasia. Last evaluated: 2024-08-15. Review status: criteria provided, single submitter. Criteria: ACMG Guidelines, 2015. Collection method: clinical testing. Allele origin: germline. Inheritance: Autosomal recessive inheritance.

Genomic Medicine Center of Excellence, King Faisal Specialist Hospital and Research Centre
Classification: Pathogenic for 21-Hydroxylase-Deficient Congenital Adrenal Hyperplasia. Last evaluated: 2024-03-17. Review status: criteria provided, single submitter. Criteria: ACMG Guidelines, 2015. Collection method: research. Allele origin: germline.

Victorian Clinical Genetics Services, Murdoch Childrens Research Institute
Classification: Pathogenic for 21-Hydroxylase-Deficient Congenital Adrenal Hyperplasia. Last evaluated: 2023-07-16. Review status: criteria provided, single submitter. Criteria: ACMG Guidelines, 2015. Collection method: clinical testing. Allele origin: germline. Inheritance: Autosomal recessive inheritance. Affected: no.
Comment: Based on the classification scheme VCGS_Germline_v1.3.4, this variant is classified as Pathogenic. Following criteria are met: 0102 - Loss of function is a known mechanism of disease in this gene and is associated with congenital adrenal hyperplasia due to 21-hydroxylase deficiency (MIM#201910) and hyperandrogenism nonclassic type due to 21-hydroxylase deficiency (MIM#201910). (I) 0106 - This gene is associated with autosomal recessive disease. (I) 0201 - Variant is predicted to cause nonsense-mediated decay (NMD) and loss of protein (premature termination codon is located at least 54 nucleotides upstream of the final exon-exon junction). (SP) 0251 - This variant is heterozygous (according to Fulgent Genetics report). (I) 0304 - Variant is present in gnomAD (v3) <0.01 for a recessive condition (523 heterozygotes, 0 homozygotes). (SP) 0701 - Other variants predicted to result in NMD comparable to the one identified in this case have very strong previous evidence for pathogenicity (DECIPHER). (SP) 0801 - This variant has very strong previous evidence of pathogenicity in unrelated individuals. It has been reported as one of the most frequent disease-causing CYP21A2 variants. (ClinVar, PMIDs: 31586465, 32616876) (SP) 1208 - Inheritance information for this variant is not currently available in this individual. (I) Legend: (SP) - Supporting pathogenic, (I) - Information, (SB) - Supporting benign

Pittsburgh Clinical Genomics Laboratory, University of Pittsburgh Medical Center
Classification: Pathogenic for 21-Hydroxylase-Deficient Congenital Adrenal Hyperplasia. Last evaluated: 2023-06-28. Review status: criteria provided, single submitter. Criteria: ACMG Guidelines, 2015. Collection method: clinical testing. Allele origin: germline. Inheritance: Autosomal recessive inheritance. Affected: yes.
Comment: This sequence variant is a single nucleotide substitution (C>T) in exon 8 of 10 of the CYP21A2 gene that changes the glutamine codon at position 319 to an early termition sigl. This variant may be referred to as Q318X in the literature. This variant is predicted to generate a non-functiol allele through either the expression of a truncated protein or a loss of CYP21A2 expression due to nonsense mediated decay. This is a previously reported variant (ClinVar 12169) that is one of the most commonly observed alleles observed in individuals affected by non-classical, simple virilizing, or salt wasting forms of congenital adrel hyperplasia due to 21-hydroxylase deficiency when in the homozygous, hemizygous, or compound heterozygous states (PMID: 3267225, 31446012, 23142378, 23359698, 26804566). This variant is present in 100 of 277730 alleles (0.0360%) in the gnomAD population dataset. A functiol study has confirmed that mR of this variant is rapidly degraded when expressed in mammalian cells (PMID: 3267225). Based upon the evidence, we consider this variant to be pathogenic. ACMG Criteria: PM3, PS4, PVS1

Department of Pathology and Laboratory Medicine, Sinai Health System
Classification: Pathogenic for 21-Hydroxylase-Deficient Congenital Adrenal Hyperplasia. Last evaluated: 2023-03-02. Review status: criteria provided, single submitter. Criteria: ACMG Guidelines, 2015. Collection method: research. Allele origin: germline.